The following is an entry in ClinVar:

ClinVar aggregate classification (germline): Conflicting classifications of pathogenicity. Review status: criteria provided, conflicting classifications (1 of 4 stars). 3 submissions from 3 submitters: Uncertain significance (2); Likely benign (1). Last evaluated 2024-02-20.

Conditions:
Fanconi anemia (FA). Also called: Fanconi's anemia. Identifiers: Orphanet 84, MedGen C0015625, MeSH D005199, MONDO:0019391.
Fanconi anemia complementation group P. Also called: SLX4-Related Fanconi Anemia. Identifiers: Orphanet 84, MedGen C3469542, MONDO:0013499, OMIM 613951.

Allele frequency attached by ClinVar (database versions not stated): gnomAD 0.00002; gnomAD exomes 0.00002; TOPMed 0.00003; ExAC 0.00007; ESP Exome Variant Server 0.00008.
gnomAD v4.1: 39 of 1,614,006 alleles (0.0024%); highest among the groups gnomAD compares: Middle Eastern, 0.066%; no homozygotes.

Submissions (3):

Fulgent Genetics
Classification: Uncertain significance for Fanconi anemia complementation group P. Last evaluated: 2024-02-20. Review status: criteria provided, single submitter. Criteria: ACMG Guidelines, 2015. Collection method: clinical testing. Allele origin: germline.

Labcorp Genetics (formerly Invitae), Labcorp
Classification: Uncertain significance for Fanconi anemia. Last evaluated: 2023-10-13. Review status: criteria provided, single submitter. Criteria: Invitae Variant Classification Sherloc (09022015). Collection method: clinical testing. Allele origin: germline.
Comment: This sequence change replaces arginine, which is basic and polar, with histidine, which is basic and polar, at codon 1062 of the SLX4 protein (p.Arg1062His). This variant is present in population databases (rs369435228, gnomAD 0.006%). This variant has not been reported in the literature in individuals affected with SLX4-related conditions. ClinVar contains an entry for this variant (Variation ID: 1952144). Algorithms developed to predict the effect of missense changes on protein structure and function output the following: SIFT: "Not Available"; PolyPhen-2: "Benign"; Align-GVGD: "Not Available". The histidine amino acid residue is found in multiple mammalian species, which suggests that this missense change does not adversely affect protein function. In summary, the available evidence is currently insufficient to determine the role of this variant in disease. Therefore, it has been classified as a Variant of Uncertain Significance.

Blueprint Genetics
Classification: Likely benign. Last evaluated: 2023-02-21. Review status: criteria provided, single submitter. Criteria: ACMG Guidelines, 2015. Collection method: clinical testing. Allele origin: germline.

NM_032444.4(SLX4):c.3185G>A (p.Arg1062His)

Gene: SLX4 (SLX4 structure-specific endonuclease subunit; minus strand). Cytogenetic location: 16p13.3.
Variant type: single nucleotide variant.
Coding change: c.3185G>A on transcript NM_032444.4 (MANE Select); coding-DNA position 3185, G replaced by A.
Protein change: p.Arg1062His; replaces arginine 1062 with histidine.
Molecular consequence: missense variant.
Genome position (GRCh38, 1-based): chr16:3,590,453, C>T on the plus strand (G>A on the coding strand, the complement: SLX4 is on the minus strand). VCF-style: chr16-3590453-C-T. GRCh37 (hg19) VCF-style: chr16-3640454-C-T.
Other names: short protein forms R1062H.
Identifiers: ClinVar variation 1952144 (VCV001952144.6), dbSNP rs369435228, ClinGen allele CA7865972.
Genomic context (GRCh38, chr16:3,590,453, plus strand): 5'-TGCTTTGATGGCACAGCTGGAGACAGCAAGGTTGGGGAGCCCACCTGGGAAGTTCCGCCA[C>T]GGGACCGGGGTGTTGACAGGGACGACCCACTTGTGTGATGAGACCCGCGGGGACTCCCGC-3'
Protein context (NP_115820.2, residues 1052-1072): SGSSLSTPRS[Arg1062His]GGTSQVGSPT